The following is an entry in ClinVar:

ClinVar aggregate classification (germline): Uncertain significance. Review status: criteria provided, multiple submitters, no conflicts (2 of 4 stars). 8 submissions from 8 submitters: Uncertain significance (8). Last evaluated 2026-10-01.

Conditions:
Hereditary cancer-predisposing syndrome. Also called: Hereditary neoplastic syndrome; Neoplastic Syndromes, Hereditary; Hereditary Cancer Syndrome; Tumor predisposition. Identifiers: Orphanet 140162, MedGen C0027672, MeSH D009386, MONDO:0015356.
RAD51D-related cancer predisposition. Identifiers: MedGen CN377763, MONDO:0700274.
Breast-ovarian cancer, familial, susceptibility to, 4. Identifiers: Orphanet 145, MedGen C3280345, MONDO:0013669, OMIM 614291.

Allele frequency attached by ClinVar (database versions not stated): gnomAD exomes below 0.00001; gnomAD 0.00001; TOPMed 0.00001.

Submissions (8):

St. Jude Molecular Pathology, St. Jude Children's Research Hospital
Classification: Uncertain significance for Breast-ovarian cancer, familial, susceptibility to, 4. Last evaluated: 2026-10-01. Review status: criteria provided, single submitter. Criteria: St. Jude Assertion Criteria 2020. Collection method: clinical testing. Allele origin: germline.
Comment: The RAD51D c.38C>T p.(Thr13Ile) missense change has a maximum subpopulation frequency of 0.0009% in gnomAD v2.1.1 (.). The in silico tool REVEL predicts a benign effect on protein function, but to our knowledge this prediction has not been confirmed by functional studies. To our knowledge, this variant has not been reported in individuals with RAD51 D- associated conditions. In summary, the evidence currently available is insufficient to determine the clinical significance of this variant. It has therefore been classified as of uncertain significance.

Labcorp Genetics (formerly Invitae), Labcorp
Classification: Uncertain significance for Breast-ovarian cancer, familial, susceptibility to, 4. Last evaluated: 2025-10-09. Review status: criteria provided, single submitter. Criteria: Invitae Variant Classification Sherloc (09022015). Collection method: clinical testing. Allele origin: germline.
Comment: This sequence change replaces threonine, which is neutral and polar, with isoleucine, which is neutral and non-polar, at codon 13 of the RAD51D protein (p.Thr13Ile). This variant is present in population databases (no rsID available, gnomAD 0.0009%). This variant has not been reported in the literature in individuals affected with RAD51D-related conditions. ClinVar contains an entry for this variant (Variation ID: 422517). An algorithm developed to predict the effect of missense changes on protein structure and function (PolyPhen-2) suggests that this variant is likely to be disruptive. In summary, the available evidence is currently insufficient to determine the role of this variant in disease. Therefore, it has been classified as a Variant of Uncertain Significance.

Color Diagnostics, LLC DBA Color Health
Classification: Uncertain significance for Hereditary cancer-predisposing syndrome. Last evaluated: 2024-07-15. Review status: criteria provided, single submitter. Criteria: ACMG Guidelines, 2015. Collection method: clinical testing. Allele origin: germline.
Comment: This missense variant replaces threonine with isoleucine at codon 13 of the RAD51D protein. Computational prediction suggests that this variant may not impact protein structure and function. To our knowledge, functional studies have not been reported for this variant. This variant has been reported in an individual affected with breast cancer (PMID: 25186627). This variant has been identified in 1/247660 chromosomes in the general population by the Genome Aggregation Database (gnomAD). The available evidence is insufficient to determine the role of this variant in disease conclusively. Therefore, this variant is classified as a Variant of Uncertain Significance.

Ambry Genetics
Classification: Uncertain significance for Hereditary cancer-predisposing syndrome. Last evaluated: 2024-06-13. Review status: criteria provided, single submitter. Criteria: Ambry Variant Classification Scheme 2023. Collection method: clinical testing. Allele origin: germline.
Comment: The p.T13I variant (also known as c.38C>T), located in coding exon 1 of the RAD51D gene, results from a C to T substitution at nucleotide position 38. The threonine at codon 13 is replaced by isoleucine, an amino acid with similar properties. This variant was observed in an individual with breast cancer amongst a cohort of 1781 non-Ashkenazi Jewish individuals undergoing BRCA1/2 gene testing based on a personal history of breast cancer (Tung N et al. Cancer, 2015 Jan;121:25-33). This amino acid position is not well conserved in available vertebrate species. In addition, this alteration is predicted to be tolerated by in silico analysis. Based on the available evidence, the clinical significance of this variant remains unclear.

Baylor Genetics
Classification: Uncertain significance for Breast-ovarian cancer, familial, susceptibility to, 4. Last evaluated: 2023-11-30. Review status: criteria provided, single submitter. Criteria: ACMG Guidelines, 2015. Collection method: clinical testing. Allele origin: unknown.

GeneDx
Classification: Uncertain significance. Last evaluated: 2023-07-20. Review status: criteria provided, single submitter. Criteria: GeneDx Variant Classification Process June 2021. Collection method: clinical testing. Allele origin: germline. Affected: yes.
Comment: Observed in individual(s) with breast cancer (Tung et al., 2015); Not observed at significant frequency in large population cohorts (gnomAD); In silico analysis supports that this missense variant has a deleterious effect on protein structure/function; This variant is associated with the following publications: (PMID: 21111057, 25186627)

Sema4
Classification: Uncertain significance for Hereditary cancer-predisposing syndrome. Last evaluated: 2021-11-01. Review status: criteria provided, single submitter. Criteria: Sema4 Curation Guidelines. Collection method: curation. Allele origin: germline.
Comment: The RAD51D c.38C>T (p.T13I) variant has not been reported in the literature to our knowledge. It was observed in 1/111230 chromosomes of the Non-Finnish European subpopulation in the large and broad cohorts of the Genome Aggregation Database (PMID: 32461654). The variant has been reported in ClinVar (Variation ID 422517). In silico tools suggest the impact of the variant on protein function is benign, though these predictions have not been confirmed by functional studies. The evidence is insufficient to meet ACMG/AMP criteria for classifying the variant as benign or pathogenic. Thus, the clinical significance of this variant is currently uncertain.

ARUP Laboratories, Molecular Genetics and Genomics, ARUP Laboratories
Classification: Uncertain significance for Breast-ovarian cancer, familial, susceptibility to, 4. Last evaluated: 2019-02-23. Review status: criteria provided, single submitter. Criteria: ARUP Molecular Germline Variant Investigation Process. Collection method: clinical testing. Allele origin: germline.
Comment: The RAD51D c.38C>T; p.Thr13Ile variant (rs1064795830) is reported as uncertain in the ClinVar database (Variation ID: 422517). This variant is only observed on one allele in the Genome Aggregation Database, indicating it is not a common polymorphism. The threonine at codon 13 is moderately conserved, and computational analyses (SIFT, PolyPhen-2) predict that this variant may be deleterious. However, given the lack of clinical and functional data, the significance of this variant is uncertain at this time.

Literature cited by the submitters: PubMed 25186627 (cited by Color Diagnostics, LLC DBA Color Health and Ambry Genetics).

NM_002878.4(RAD51D):c.38C>T (p.Thr13Ile)

Genes: RAD51D (RAD51 paralog D; minus strand), RAD51L3-RFFL (RAD51L3-RFFL readthrough; minus strand). Cytogenetic location: 17q12.
Variant type: single nucleotide variant.
Coding change: c.38C>T on transcript NM_002878.4 (MANE Select); coding-DNA position 38, C replaced by T.
Protein change: p.Thr13Ile; replaces threonine 13 with isoleucine.
Molecular consequence: missense variant. On other transcripts: non-coding transcript variant (2).
Genome position (GRCh38, 1-based): chr17:35,119,576, G>A on the plus strand (C>T on the coding strand, the complement: RAD51D is on the minus strand). VCF-style: chr17-35119576-G-A. GRCh37 (hg19) VCF-style: chr17-33446595-G-A.
Other names: c.38C>T, p.Thr13Ile (NM_001142571.2, NM_133629.3); short protein forms T13I.
Identifiers: ClinVar variation 422517 (VCV000422517.30), dbSNP rs1064795830, ClinGen allele CA16620394.